The following is an entry in ClinVar:

ClinVar aggregate classification (germline): Uncertain significance (1 of 4 stars; one submission).

Submission:

GeneDx
Classification: Uncertain significance. Last evaluated: 2025-02-18. Review status: criteria provided, single submitter. Criteria: GeneDx Variant Classification Process June 2021. Collection method: clinical testing. Allele origin: germline.
Comment: Not observed at significant frequency in large population cohorts (gnomAD); In silico analysis supports that this missense variant does not alter protein structure/function; Has not been previously published as pathogenic or benign to our knowledge

NM_015047.3(EMC1):c.899A>C (p.Tyr300Ser)

Genes: EMC1 (ER membrane protein complex subunit 1; minus strand), EMC1-AS1 (EMC1 antisense RNA 1; plus strand). Cytogenetic location: 1p36.13.
Variant type: single nucleotide variant.
Coding change: c.899A>C on transcript NM_015047.3 (MANE Select); coding-DNA position 899, A replaced by C.
Protein change: p.Tyr300Ser; replaces tyrosine 300 with serine.
Molecular consequence: missense variant.
Genome position (GRCh38, 1-based): chr1:19,239,873, T>G on the plus strand (A>C on the coding strand, the complement: EMC1 is on the minus strand). VCF-style: chr1-19239873-T-G. GRCh37 (hg19) VCF-style: chr1-19566367-T-G.
Other names: c.899A>C, p.Tyr300Ser (NM_001271427.2, NM_001271428.2, NM_001375820.1 and 1 more transcripts); c.833A>C, p.Tyr278Ser (NM_001271429.2); short protein forms Y278S, Y300S.
Identifiers: ClinVar variation 3369731 (VCV003369731.2).
Genomic context (GRCh38, chr1:19,239,873, plus strand): 5'-GTTACCTGTGGGAAGTTTTTAAGCAAACTCAGCGTTCCATAATGGTACTGCAGCAGAGCA[T>G]AGTGGCTTGGGGACAAGTGCAGGAAGAACTGGGCCCGGGAAGCGTCCACTGGGTTGGGCT-3'
Protein context (NP_055862.1, residues 290-310): QFFLHLSPSH[Tyr300Ser]ALLQYHYGTL